The following is an entry in ClinVar:

CM000675.1:g.95999739_96035883dup

Genes: LOC130009965 (ATAC-STARR-seq lymphoblastoid silent region 5440; plus strand), LOC130009966 (ATAC-STARR-seq lymphoblastoid active region 7876; plus strand). Cytogenetic location: 13q32.1.
Variant type: Duplication.
Identifiers: ClinVar variation 157295 (VCV000157295.2).

ClinVar aggregate classification (germline): not provided (0 of 4 stars; one submission).

Conditions:
Gestational diabetes mellitus uncontrolled. Identifiers: MedGen C3532257.

Submission:

Institute of Molecular and Cell Biology, University of Tartu
No classification provided. Condition: Gestational diabetes mellitus uncontrolled. Review status: no classification provided. Collection method: case-control. Allele origin: unknown. Affected: yes. Study: Kasak2014.
Comment: The study aimed to determine the contribution of copy number variants in the genetic etiology of normal and complicated pregnancies. The samples represented (i) maternal blood DNA drawn from healthy pregnant women during 1st or 2nd trimester and (ii) maternal and paternal blood DNA drawn at term pregnancy cases representing normal and complicated gestations (severe preeclampsia, PE; gestational diabetes, GD; small-for-gestational age newborn, SGA; large-for-gestational age newborn, LGA). We performed CNV calling based on genome-wide genotyping dataset (Illumina HumanOmniExpress-24-v1 BeadChip) by applying three algorithms, QuantiSNP, GADA (Genome Alteration Detection Algorithm) and CNstream in parallel. The acquired CNV calls were merged with HD-CNV (Hotspot Detector for Copy Number Variants) program and only the CNVs predicted by at least two programs, were considered in subsequent analysis.

Literature cited by the submitters: PubMed 25666259.